The following is an entry in ClinVar:

ClinVar aggregate classification (germline): Likely benign. Review status: criteria provided, multiple submitters, no conflicts (2 of 4 stars). 2 submissions from 2 submitters: Likely benign (2). Last evaluated 2025-08-30.

Allele frequency attached by ClinVar (database versions not stated): gnomAD 0.00007; TOPMed 0.00008.
gnomAD v4.1: 89 of 1,479,192 alleles (0.006%); highest among the groups gnomAD compares: Admixed American, 0.0047%; no homozygotes.

Submissions (2):

Labcorp Genetics (formerly Invitae), Labcorp
Classification: Likely benign. Last evaluated: 2025-08-30. Review status: criteria provided, single submitter. Criteria: Invitae Variant Classification Sherloc (09022015). Collection method: clinical testing. Allele origin: germline.

Mayo Clinic Laboratories, Mayo Clinic
Classification: Likely benign. Last evaluated: 2025-03-30. Review status: criteria provided, single submitter. Criteria: ACMG Guidelines, 2015. Collection method: clinical testing. Allele origin: germline. Observed: 1 variant allele.
Comment: BS1, BP4, BP7

NM_005560.6(LAMA5):c.4448-10C>T

Gene: LAMA5 (laminin subunit alpha 5; minus strand). Cytogenetic location: 20q13.33.
Variant type: single nucleotide variant.
Coding change: c.4448-10C>T on transcript NM_005560.6 (MANE Select); 10 bases into the intron before coding-DNA position 4448, C replaced by T.
Molecular consequence: intron variant.
Genome position (GRCh38, 1-based): chr20:62,328,455, G>A on the plus strand (C>T on the coding strand, the complement: LAMA5 is on the minus strand). VCF-style: chr20-62328455-G-A. GRCh37 (hg19) VCF-style: chr20-60903511-G-A.
Other names: p.?.
Identifiers: ClinVar variation 2170839 (VCV002170839.5), dbSNP rs748627994, ClinGen allele CA9942594.